The following is an entry in ClinVar:

NM_152564.5(VPS13B):c.10169C>T (p.Thr3390Ile)

Gene: VPS13B (vacuolar protein sorting 13 homolog B; plus strand). Cytogenetic location: 8q22.2.
Variant type: single nucleotide variant.
Coding change: c.10169C>T on transcript NM_152564.5 (MANE Select); coding-DNA position 10169, C replaced by T.
Protein change: p.Thr3390Ile; replaces threonine 3390 with isoleucine.
Molecular consequence: missense variant.
Genome position (GRCh38, 1-based): chr8:99,853,558, C>T. VCF-style: chr8-99853558-C-T. GRCh37 (hg19) VCF-style: chr8-100865786-C-T.
Other names: c.10244C>T, p.Thr3415Ile (NM_017890.5); short protein forms T3390I, T3415I.
Identifiers: ClinVar variation 626207 (VCV000626207.4), dbSNP rs767783667, ClinGen allele CA4824904.

ClinVar aggregate classification (germline): Uncertain significance. Review status: criteria provided, multiple submitters, no conflicts (2 of 4 stars). 2 submissions from 2 submitters: Uncertain significance (2). Last evaluated 2022-07-19.

Conditions:
Cohen syndrome (COH1). Also called: PEPPER SYNDROME; Cutis verticis gyrata, retinitis pigmentosa, and sensorineural deafness. Identifiers: Orphanet 193, MedGen C0265223, MONDO:0008999, OMIM 216550.

Allele frequency attached by ClinVar (database versions not stated): TOPMed 0.00001; ExAC 0.00002; gnomAD exomes 0.00002.
gnomAD v4.1: 2 of 1,614,206 alleles (0.00012%); highest among the groups gnomAD compares: East Asian, 0.0045%; no homozygotes.

Submissions (2):

Labcorp Genetics (formerly Invitae), Labcorp
Classification: Uncertain significance for Cohen syndrome. Last evaluated: 2022-07-19. Review status: criteria provided, single submitter. Criteria: Invitae Variant Classification Sherloc (09022015). Collection method: clinical testing. Allele origin: germline.
Comment: This sequence change replaces threonine with isoleucine at codon 3415 of the VPS13B protein (p.Thr3415Ile). The threonine residue is moderately conserved and there is a moderate physicochemical difference between threonine and isoleucine. This variant is present in population databases (rs767783667, gnomAD 0.02%). This variant has not been reported in the literature in individuals affected with VPS13B-related conditions. ClinVar contains an entry for this variant (Variation ID: 626207). Algorithms developed to predict the effect of missense changes on protein structure and function are either unavailable or do not agree on the potential impact of this missense change (SIFT: "Not Available"; PolyPhen-2: "Possibly Damaging"; Align-GVGD: "Not Available"). In summary, the available evidence is currently insufficient to determine the role of this variant in disease. Therefore, it has been classified as a Variant of Uncertain Significance.

Center for Genomics, Ann and Robert H. Lurie Children's Hospital of Chicago
Classification: Uncertain significance for Cohen syndrome. Last evaluated: 2021-03-30. Review status: criteria provided, single submitter. Criteria: ACMG Guidelines, 2015. Collection method: clinical testing. Allele origin: germline.
Comment: VPS13B NM_017890 exon 56 p.Thr3415Ile (c.10244C>T): This variant has not been reported in the literature but is present in 4/17248 East Asian alleles in the Genome Aggregation Database. Evolutionary conservation and computational predictive tools suggest that this variant may impact the protein. In summary, data on this variant is insufficient for disease classification. Therefore, the clinical significance of this variant is uncertain.